The following is an entry in ClinVar:

NM_001014987.2(LAT):c.620C>T (p.Pro207Leu)

Gene: LAT (linker for activation of T cells; plus strand). Cytogenetic location: 16p11.2.
Variant type: single nucleotide variant.
Coding change: c.620C>T on transcript NM_001014987.2 (MANE Select); coding-DNA position 620, C replaced by T.
Protein change: p.Pro207Leu; replaces proline 207 with leucine.
Molecular consequence: missense variant.
Genome position (GRCh38, 1-based): chr16:28,989,837, C>T. VCF-style: chr16-28989837-C-T. GRCh37 (hg19) VCF-style: chr16-29001158-C-T.
Other names: c.617C>T, p.Pro206Leu (NM_001014988.2); c.728C>T, p.Pro243Leu (NM_001014989.2); c.707C>T, p.Pro236Leu (NM_014387.4); c.728C>T (NM_001014989.1); short protein forms P206L, P236L, P207L, P243L.
Identifiers: ClinVar variation 1359991 (VCV001359991.5), dbSNP rs144215223, ClinGen allele CA7990095.

ClinVar aggregate classification (germline): Uncertain significance. Review status: criteria provided, multiple submitters, no conflicts (2 of 4 stars). 3 submissions from 3 submitters: Uncertain significance (3). Last evaluated 2025-03-31.

Allele frequency attached by ClinVar (database versions not stated): gnomAD exomes 0.00003 and 0.00009; ExAC 0.00009; gnomAD 0.00025 and 0.00029; TOPMed 0.00038; ESP Exome Variant Server 0.00046.

Submissions (3):

Ambry Genetics
Classification: Uncertain significance. Last evaluated: 2025-03-31. Review status: criteria provided, single submitter. Criteria: Ambry Variant Classification Scheme 2023. Collection method: clinical testing. Allele origin: germline.

Blueprint Genetics
Classification: Uncertain significance. Last evaluated: 2024-11-26. Review status: criteria provided, single submitter. Criteria: ACMG Guidelines, 2015. Collection method: clinical testing. Allele origin: germline.

Labcorp Genetics (formerly Invitae), Labcorp
Classification: Uncertain significance. Last evaluated: 2022-08-19. Review status: criteria provided, single submitter. Criteria: Invitae Variant Classification Sherloc (09022015). Collection method: clinical testing. Allele origin: germline.
Comment: This sequence change replaces proline, which is neutral and non-polar, with leucine, which is neutral and non-polar, at codon 207 of the LAT protein (p.Pro207Leu). This variant is present in population databases (rs144215223, gnomAD 0.1%). This variant has not been reported in the literature in individuals affected with LAT-related conditions. ClinVar contains an entry for this variant (Variation ID: 1359991). Algorithms developed to predict the effect of missense changes on protein structure and function output the following: SIFT: "Tolerated"; PolyPhen-2: "Benign"; Align-GVGD: "Class C0". The leucine amino acid residue is found in multiple mammalian species, which suggests that this missense change does not adversely affect protein function. In summary, the available evidence is currently insufficient to determine the role of this variant in disease. Therefore, it has been classified as a Variant of Uncertain Significance.